The following is an entry in ClinVar:

ClinVar aggregate classification (germline): Uncertain significance (1 of 4 stars; one submission).

Conditions:
Immunodeficiency 51 (IMD51). Also called: CANDIDIASIS, FAMILIAL, 5. Identifiers: Orphanet 1334, MedGen C4310803, MONDO:0013500, OMIM 613953.

Allele frequency attached by ClinVar (database versions not stated): TOPMed below 0.00001.

Submission:

Labcorp Genetics (formerly Invitae), Labcorp
Classification: Uncertain significance for Immunodeficiency 51. Last evaluated: 2022-02-04. Review status: criteria provided, single submitter. Criteria: Invitae Variant Classification Sherloc (09022015). Collection method: clinical testing. Allele origin: germline.
Comment: In summary, the available evidence is currently insufficient to determine the role of this variant in disease. Therefore, it has been classified as a Variant of Uncertain Significance. Algorithms developed to predict the effect of missense changes on protein structure and function output the following: SIFT: "Tolerated"; PolyPhen-2: "Not Available"; Align-GVGD: "Class C0". The cysteine amino acid residue is found in multiple mammalian species, which suggests that this missense change does not adversely affect protein function. This variant has not been reported in the literature in individuals affected with IL17RA-related conditions. This variant is not present in population databases (gnomAD no frequency). This sequence change replaces arginine, which is basic and polar, with cysteine, which is neutral and slightly polar, at codon 5 of the IL17RA protein (p.Arg5Cys).

NM_014339.7(IL17RA):c.13C>T (p.Arg5Cys)

Genes: IL17RA (interleukin 17 receptor A; plus strand), LOC130066894 (ATAC-STARR-seq lymphoblastoid silent region 13430; plus strand). Cytogenetic location: 22q11.1.
Variant type: single nucleotide variant.
Coding change: c.13C>T on transcript NM_014339.7 (MANE Select); coding-DNA position 13, C replaced by T.
Protein change: p.Arg5Cys; replaces arginine 5 with cysteine.
Molecular consequence: missense variant.
Genome position (GRCh38, 1-based): chr22:17,085,104, C>T. VCF-style: chr22-17085104-C-T. GRCh37 (hg19) VCF-style: chr22-17565994-C-T.
Other names: c.13C>T, p.Arg5Cys (NM_001289905.2); short protein forms R5C.
Identifiers: ClinVar variation 1376430 (VCV001376430.6), dbSNP rs1351337413, ClinGen allele CA410210081.